The following is an entry in ClinVar:

ClinVar aggregate classification (germline): Uncertain significance (1 of 4 stars; one submission).

Conditions:
Fanconi anemia (FA). Also called: Fanconi's anemia. Identifiers: Orphanet 84, MedGen C0015625, MeSH D005199, MONDO:0019391.

Submission:

Labcorp Genetics (formerly Invitae), Labcorp
Classification: Uncertain significance for Fanconi anemia. Last evaluated: 2020-09-25. Review status: criteria provided, single submitter. Criteria: Invitae Variant Classification Sherloc (09022015). Collection method: clinical testing. Allele origin: germline.
Comment: In summary, the available evidence is currently insufficient to determine the role of this variant in disease. Therefore, it has been classified as a Variant of Uncertain Significance. Algorithms developed to predict the effect of missense changes on protein structure and function output the following: SIFT: "Tolerated"; PolyPhen-2: "Benign"; Align-GVGD: "Class C0". The threonine amino acid residue is found in multiple mammalian species, suggesting that this missense change does not adversely affect protein function. These predictions have not been confirmed by published functional studies and their clinical significance is uncertain. This variant has not been reported in the literature in individuals with FANCI-related conditions. This variant is not present in population databases (ExAC no frequency). This sequence change replaces alanine with threonine at codon 14 of the FANCI protein (p.Ala14Thr). The alanine residue is weakly conserved and there is a small physicochemical difference between alanine and threonine.

NM_001113378.2(FANCI):c.40G>A (p.Ala14Thr)

Gene: FANCI (FA complementation group I; plus strand). Cytogenetic location: 15q26.1.
Variant type: single nucleotide variant.
Coding change: c.40G>A on transcript NM_001113378.2 (MANE Select); coding-DNA position 40, G replaced by A.
Protein change: p.Ala14Thr; replaces alanine 14 with threonine.
Molecular consequence: missense variant. On other transcripts: 5 prime UTR variant (1).
Genome position (GRCh38, 1-based): chr15:89,247,687, G>A. VCF-style: chr15-89247687-G-A. GRCh37 (hg19) VCF-style: chr15-89790918-G-A.
Other names: c.-235G>A (NM_001376910.1); c.40G>A, p.Ala14Thr (NM_001376911.1, NM_018193.3); short protein forms A14T.
Identifiers: ClinVar variation 1040173 (VCV001040173.6), dbSNP rs2052049943, ClinGen allele CA393736348.
Genomic context (GRCh38, chr15:89,247,687, plus strand): 5'-AGTTCTGTGATATGAGCAACAATGGACCAGAAGATTTTATCTCTAGCAGCAGAAAAAACA[G>A]CAGACAAACTGCAAGAATTTCTTCAAACCCTGAGAGAAGGTGATGTGAGTATTAGGAAGC-3'
Protein context (NP_001106849.1, residues 4-24): KILSLAAEKT[Ala14Thr]DKLQEFLQTL